The following is an entry in ClinVar:

NM_014844.5(TECPR2):c.4082-3C>T

Gene: TECPR2 (tectonin beta-propeller repeat containing 2; plus strand). Cytogenetic location: 14q32.31.
Variant type: single nucleotide variant.
Coding change: c.4082-3C>T on transcript NM_014844.5 (MANE Select); 3 bases into the intron before coding-DNA position 4082, C replaced by T.
Molecular consequence: intron variant.
Genome position (GRCh38, 1-based): chr14:102,498,100, C>T. VCF-style: chr14-102498100-C-T. GRCh37 (hg19) VCF-style: chr14-102964437-C-T.
Identifiers: ClinVar variation 2160324 (VCV002160324.1), dbSNP rs2504525612, ClinGen allele CA2518455682.

ClinVar aggregate classification (germline): Uncertain significance (1 of 4 stars; one submission).

Conditions:
Hereditary spastic paraplegia 49 (HSAN9). Also called: Spastic paraplegia 49, autosomal recessive; TECPR2-Related Hereditary Sensory and Autonomic Neuropathy with Intellectual Disability; NEUROPATHY, HEREDITARY SENSORY AND AUTONOMIC, TYPE IX, WITH DEVELOPMENTAL DELAY. Identifiers: Orphanet 320385, MedGen C5190860, MONDO:0014016, OMIM 615031.

Allele frequency attached by ClinVar (database versions not stated): gnomAD exomes below 0.00001.

Submission:

Labcorp Genetics (formerly Invitae), Labcorp
Classification: Uncertain significance for Hereditary spastic paraplegia 49. Last evaluated: 2022-02-27. Review status: criteria provided, single submitter. Criteria: Invitae Variant Classification Sherloc (09022015). Collection method: clinical testing. Allele origin: germline.
Comment: This sequence change falls in intron 19 of the TECPR2 gene. It does not directly change the encoded amino acid sequence of the TECPR2 protein. It affects a nucleotide within the consensus splice site. This variant is not present in population databases (gnomAD no frequency). This variant has not been reported in the literature in individuals affected with TECPR2-related conditions. Variants that disrupt the consensus splice site are a relatively common cause of aberrant splicing (PMID: 17576681, 9536098). Algorithms developed to predict the effect of sequence changes on RNA splicing suggest that this variant is not likely to affect RNA splicing. In summary, the available evidence is currently insufficient to determine the role of this variant in disease. Therefore, it has been classified as a Variant of Uncertain Significance.

Literature cited by the submitters: PubMed 17576681; PubMed 9536098.